The following is an entry in ClinVar:

ClinVar aggregate classification (germline): Likely pathogenic (1 of 4 stars; one submission).

Conditions:
Hearing loss, X-linked 1 (DFNX1). Also called: DEAFNESS, X-LINKED 2, SENSORINEURAL CONGENITAL; DEAFNESS, X-LINKED 1; DFNX1 Nonsyndromic Hearing Loss and Deafness; DFNX1 Nonsyndromic Sensorineural Hearing Loss (DFN2). Identifiers: Orphanet 90625, MedGen C1844677, MONDO:0010577, OMIM 304500.

Submission:

MVZ Medizinische Genetik Mainz
Classification: Likely pathogenic for Hearing loss, X-linked 1. Last evaluated: 2023-08-03. Review status: criteria provided, single submitter. Criteria: UK Practice Guidelines For Variant Classification V4 01 2020. Collection method: clinical testing. Allele origin: germline. Inheritance: X-linked dominant inheritance. Affected: yes. Observed: 1 variant allele.
Comment: ACMG Criteria: PP3_STR,PM2_SUP,PP2

NM_002764.4(PRPS1):c.575T>A (p.Ile192Asn)

Gene: PRPS1 (phosphoribosyl pyrophosphate synthetase 1; plus strand). Cytogenetic location: Xq22.3.
Variant type: single nucleotide variant.
Coding change: c.575T>A on transcript NM_002764.4 (MANE Select); coding-DNA position 575, T replaced by A.
Protein change: p.Ile192Asn; replaces isoleucine 192 with asparagine.
Molecular consequence: missense variant. On other transcripts: 5 prime UTR variant (1).
Genome position (GRCh38, 1-based): chrX:107,645,221, T>A. VCF-style: chrX-107645221-T-A. GRCh37 (hg19) VCF-style: chrX-106888451-T-A.
Other names: c.-38T>A (NM_001204402.2); short protein forms I192N.
Identifiers: ClinVar variation 3066161 (VCV003066161.1), dbSNP rs2521345889, ClinGen allele CA413811659.